The following is an entry in ClinVar:

NM_015910.7(WDPCP):c.71G>A (p.Arg24Lys)

Gene: WDPCP (WD repeat containing planar cell polarity effector; minus strand). Cytogenetic location: 2p15.
Variant type: single nucleotide variant.
Coding change: c.71G>A on transcript NM_015910.7 (MANE Select); coding-DNA position 71, G replaced by A.
Protein change: p.Arg24Lys; replaces arginine 24 with lysine.
Molecular consequence: missense variant. On other transcripts: 5 prime UTR variant (1), non-coding transcript variant (2).
Genome position (GRCh38, 1-based): chr2:63,588,201, C>T on the plus strand (G>A on the coding strand, the complement: WDPCP is on the minus strand). VCF-style: chr2-63588201-C-T. GRCh37 (hg19) VCF-style: chr2-63815335-C-T.
Other names: c.71G>A (NM_015910.5); c.-254G>A (NM_001354044.2); c.71G>A, p.Arg24Lys (NM_001354045.2); short protein forms R24K.
Identifiers: ClinVar variation 2186446 (VCV002186446.3), dbSNP rs906798293, ClinGen allele CA49253723.
Genomic context (GRCh38, chr2:63,588,201, plus strand): 5'-CGCATTCCGGATCCTAAGGTTAAAAGAAAACCCCTTGCCCTCGGGCCAGGGCTCACCTGT[C>T]TCGGGAGTGGGGAAGAAGCGCGACTCCCGGCCGCTTTGGAGTAGGCGTCCCAGCAAAACT-3'
Protein context (NP_056994.3, residues 14-34): AGSRASSPLP[Arg24Lys]QDRDSFCHQM

ClinVar aggregate classification (germline): Uncertain significance. Review status: criteria provided, single submitter (1 of 4 stars). 2 submissions from 2 submitters: Uncertain significance (1). 1 of the submissions does not count toward it. Last evaluated 2021-12-24.

Conditions:
WDPCP-related disorder. Also called: WDPCP-related condition.
Bardet-Biedl syndrome (BBS). Identifiers: Orphanet 110, MedGen C0752166, MONDO:0015229.

Allele frequency attached by ClinVar (database versions not stated): TOPMed 0.00001; gnomAD exomes 0.00005.
gnomAD v4.1: 73 of 1,567,694 alleles (0.0047%); highest among the groups gnomAD compares: Non-Finnish European, 0.0062%; no homozygotes.

Submissions (2):

Labcorp Genetics (formerly Invitae), Labcorp
Classification: Uncertain significance for Bardet-Biedl syndrome. Last evaluated: 2021-12-24. Review status: criteria provided, single submitter. Criteria: Invitae Variant Classification Sherloc (09022015). Collection method: clinical testing. Allele origin: germline.
Comment: This variant is present in population databases (no rsID available, gnomAD 0.004%). This sequence change replaces arginine, which is basic and polar, with lysine, which is basic and polar, at codon 24 of the WDPCP protein (p.Arg24Lys). This variant has not been reported in the literature in individuals affected with WDPCP-related conditions. In summary, the available evidence is currently insufficient to determine the role of this variant in disease. Therefore, it has been classified as a Variant of Uncertain Significance. Algorithms developed to predict the effect of missense changes on protein structure and function output the following: SIFT: "Tolerated"; PolyPhen-2: "Benign"; Align-GVGD: "Class C0". The lysine amino acid residue is found in multiple mammalian species, which suggests that this missense change does not adversely affect protein function.

PreventionGenetics, part of Exact Sciences
Classification: Uncertain significance for WDPCP-related condition. Last evaluated: 2024-09-03. Review status: no assertion criteria provided. Collection method: clinical testing. Allele origin: germline. Not counted in ClinVar's aggregate classification.
Comment: The WDPCP c.71G>A variant is predicted to result in the amino acid substitution p.Arg24Lys. To our knowledge, this variant has not been reported in the literature. This variant is reported in 0.0042% of alleles in individuals of European (Non-Finnish) descent in gnomAD. At this time, the clinical significance of this variant is uncertain due to the absence of conclusive functional and genetic evidence.